The following is an entry in ClinVar:

ClinVar aggregate classification (germline): Pathogenic (1 of 4 stars; one submission).

Conditions:
Hereditary cancer-predisposing syndrome. Also called: Tumor predisposition; Hereditary neoplastic syndrome; Hereditary Cancer Syndrome; Neoplastic Syndromes, Hereditary. Identifiers: Orphanet 140162, MedGen C0027672, MeSH D009386, MONDO:0015356.

Submission:

Ambry Genetics
Classification: Pathogenic for Hereditary cancer-predisposing syndrome. Last evaluated: 2025-03-28. Review status: criteria provided, single submitter. Criteria: Ambry Variant Classification Scheme 2023. Collection method: clinical testing. Allele origin: germline.
Comment: The p.E154* pathogenic mutation (also known as c.460G>T), located in coding exon 3 of the RAD51C gene, results from a G to T substitution at nucleotide position 460. This changes the amino acid from a glutamic acid to a stop codon within coding exon 3. This variant is considered to be rare based on population cohorts in the Genome Aggregation Database (gnomAD). This alteration is expected to result in loss of function by premature protein truncation or nonsense-mediated mRNA decay. As such, this alteration is interpreted as a disease-causing mutation.

NM_058216.3(RAD51C):c.460G>T (p.Glu154Ter)

Gene: RAD51C (RAD51 paralog C; plus strand). Cytogenetic location: 17q22.
Variant type: single nucleotide variant.
Coding change: c.460G>T on transcript NM_058216.3 (MANE Select); coding-DNA position 460, G replaced by T.
Protein change: p.Glu154Ter; replaces glutamic acid 154 with a stop codon.
Molecular consequence: nonsense.
Genome position (GRCh38, 1-based): chr17:58,696,748, G>T. VCF-style: chr17-58696748-G-T. GRCh37 (hg19) VCF-style: chr17-56774109-G-T.
Other names: short protein forms E154*.
Identifiers: ClinVar variation 3942357 (VCV003942357.1).
Genomic context (GRCh38, chr17:58,696,748, plus strand): 5'-GACAGTATGCAGTTGGCAGTAGATGTGCAGATACCAGAATGTTTTGGAGGAGTGGCAGGT[G>T]AAGCAGTTTTTATTGATACAGAGGGAAGTTTTATGGTTGATAGAGTGGTAGACCTTGCTA-3'